The following is an entry in ClinVar:

NM_001242896.3(DEPDC5):c.3155+5G>A

Gene: DEPDC5 (DEP domain containing 5, GATOR1 subcomplex subunit; plus strand). Cytogenetic location: 22q12.3.
Variant type: single nucleotide variant.
Coding change: c.3155+5G>A on transcript NM_001242896.3 (MANE Select); 5 bases into the intron after coding-DNA position 3155, G replaced by A.
Molecular consequence: intron variant.
Genome position (GRCh38, 1-based): chr22:31,846,972, G>A. VCF-style: chr22-31846972-G-A. GRCh37 (hg19) VCF-style: chr22-32242958-G-A.
Other names: c.3155+5G>A (NM_001364318.2, NM_001363852.2, NM_001364320.2); c.3128+5G>A (NM_001136029.4, NM_014662.6, NM_001369903.1); c.2921+5G>A (NM_001363854.2, NM_001242897.2, NM_001364319.2); c.3071+5G>A (NM_001369902.1, NM_001369901.1).
Identifiers: ClinVar variation 1728228 (VCV001728228.6), dbSNP rs1423306991, ClinGen allele CA639062695.

ClinVar aggregate classification (germline): Conflicting classifications of pathogenicity. Review status: criteria provided, conflicting classifications (1 of 4 stars). 2 submissions from 2 submitters: Pathogenic (1); Uncertain significance (1). Last evaluated 2024-12-30.

Conditions:
Familial focal epilepsy with variable foci (FPEVF). Identifiers: Orphanet 98820, MedGen C1858477, MONDO:0020310.
Inborn genetic diseases. Identifiers: MedGen C0950123, MeSH D030342.

Allele frequency attached by ClinVar (database versions not stated): TOPMed below 0.00001; gnomAD 0.00001.
gnomAD v4.1: 2 of 1,614,158 alleles (0.00012%); highest among the groups gnomAD compares: African/African-American, 0.0013%; no homozygotes.

Submissions (2):

Ambry Genetics
Classification: Pathogenic for Inborn genetic diseases. Last evaluated: 2024-12-30. Review status: criteria provided, single submitter. Criteria: Ambry Variant Classification Scheme 2023. Collection method: clinical testing. Allele origin: germline.
Comment: The c.3155+5G>A intronic alteration results from a G to A substitution 5 nucleotides after exon 31 (coding exon 30) of the DEPDC5 gene. Based on data from gnomAD, the A allele has an overall frequency of <0.001% (1/249534) total alleles studied. The highest observed frequency was 0.007% (1/15486) of African alleles. This variant was reported in individual(s) with features consistent with familial focal epilepsy with variable foci (Ambry internal data). This nucleotide position is highly conserved in available vertebrate species. RNA studies have demonstrated that this alteration results in abnormal splicing in the set of samples tested (Ambry internal data). In silico splice site analysis predicts that this alteration will weaken the native splice donor site. Based on the available evidence, this alteration is classified as pathogenic.

Labcorp Genetics (formerly Invitae), Labcorp
Classification: Uncertain significance for Familial focal epilepsy with variable foci. Last evaluated: 2023-11-24. Review status: criteria provided, single submitter. Criteria: Invitae Variant Classification Sherloc (09022015). Collection method: clinical testing. Allele origin: germline.
Comment: This sequence change falls in intron 31 of the DEPDC5 gene. It does not directly change the encoded amino acid sequence of the DEPDC5 protein. It affects a nucleotide within the consensus splice site. This variant is present in population databases (no rsID available, gnomAD 0.007%). This variant has not been reported in the literature in individuals affected with DEPDC5-related conditions. ClinVar contains an entry for this variant (Variation ID: 1728228). Variants that disrupt the consensus splice site are a relatively common cause of aberrant splicing (PMID: 17576681, 9536098). Algorithms developed to predict the effect of sequence changes on RNA splicing suggest that this variant may disrupt the consensus splice site. In summary, the available evidence is currently insufficient to determine the role of this variant in disease. Therefore, it has been classified as a Variant of Uncertain Significance.

Literature cited by the submitters: PubMed 17576681 (cited by Labcorp Genetics (formerly Invitae), Labcorp); PubMed 9536098 (cited by Labcorp Genetics (formerly Invitae), Labcorp).